The following is an entry in ClinVar:

ClinVar aggregate classification (germline): Uncertain significance. Review status: criteria provided, single submitter (1 of 4 stars). 2 submissions from 2 submitters: Uncertain significance (1). 1 of the submissions does not count toward it. Last evaluated 2018-01-12.

Conditions:
ACADS-related disorder. Also called: ACADS-related condition.
Deficiency of butyryl-CoA dehydrogenase (ACADSD). Also called: SCAD DEFICIENCY, MILD; ACYL-CoA DEHYDROGENASE, SHORT-CHAIN, DEFICIENCY OF; SCADH DEFICIENCY; ACADS DEFICIENCY; Short-Chain Acyl-CoA Dehydrogenase Deficiency; SCAD Deficiency. Identifiers: Orphanet 26792, MedGen C0342783, MONDO:0008722, OMIM 201470. Disease mechanism: May be benign.

Allele frequency attached by ClinVar (database versions not stated): gnomAD 0.00001; TOPMed 0.00002; gnomAD exomes 0.00005; ExAC 0.00016.

Submissions (2):

Illumina Laboratory Services, Illumina
Classification: Uncertain significance for Deficiency of butyryl-CoA dehydrogenase. Last evaluated: 2018-01-12. Review status: criteria provided, single submitter. Criteria: ICSL Variant Classification Criteria 13 December 2019. Collection method: clinical testing. Allele origin: germline.

PreventionGenetics, part of Exact Sciences
Classification: Likely benign for ACADS-related condition. Last evaluated: 2022-06-10. Review status: no assertion criteria provided. Collection method: clinical testing. Allele origin: germline. Not counted in ClinVar's aggregate classification.
Comment: This variant is classified as likely benign based on ACMG/AMP sequence variant interpretation guidelines (Richards et al. 2015 PMID: 25741868, with internal and published modifications).

NM_000017.4(ACADS):c.336C>T (p.Thr112=)

Gene: ACADS (acyl-CoA dehydrogenase short chain; plus strand). Cytogenetic location: 12q24.31.
Variant type: single nucleotide variant.
Coding change: c.336C>T on transcript NM_000017.4 (MANE Select); coding-DNA position 336, C replaced by T.
Protein change: p.Thr112=; no amino-acid change (threonine 112 retained).
Molecular consequence: synonymous variant.
Genome position (GRCh38, 1-based): chr12:120,737,111, C>T. VCF-style: chr12-120737111-C-T. GRCh37 (hg19) VCF-style: chr12-121174914-C-T.
Other names: c.336C>T, p.Thr112= (NM_001302554.2); c.336C>T (NM_000017.3).
Identifiers: ClinVar variation 307435 (VCV000307435.7), dbSNP rs768784437, ClinGen allele CA6830828.